The following is an entry in ClinVar:

ClinVar aggregate classification (germline): Uncertain significance (1 of 4 stars; one submission).

Conditions:
Hereditary cancer-predisposing syndrome. Also called: Neoplastic Syndromes, Hereditary; Tumor predisposition; Hereditary Cancer Syndrome; Hereditary neoplastic syndrome. Identifiers: Orphanet 140162, MedGen C0027672, MeSH D009386, MONDO:0015356.

gnomAD v4.1: 3 of 1,613,882 alleles (0.00019%); highest among the groups gnomAD compares: South Asian, 0.0011%; no homozygotes.

Submission:

Ambry Genetics
Classification: Uncertain significance for Hereditary cancer-predisposing syndrome. Last evaluated: 2025-11-02. Review status: criteria provided, single submitter. Criteria: Ambry Variant Classification Scheme 2023. Collection method: clinical testing. Allele origin: germline.
Comment: The p.Q47R variant (also known as c.140A>G), located in coding exon 2 of the EPCAM gene, results from an A to G substitution at nucleotide position 140. The glutamine at codon 47 is replaced by arginine, an amino acid with highly similar properties. This amino acid position is conserved. In addition, this alteration is predicted to be tolerated by in silico analysis. Based on the available evidence, the clinical significance of this variant remains unclear.

NM_002354.3(EPCAM):c.140A>G (p.Gln47Arg)

Gene: EPCAM (epithelial cell adhesion molecule; plus strand). Cytogenetic location: 2p21.
Variant type: single nucleotide variant.
Coding change: c.140A>G on transcript NM_002354.3 (MANE Select); coding-DNA position 140, A replaced by G.
Protein change: p.Gln47Arg; replaces glutamine 47 with arginine.
Molecular consequence: missense variant.
Genome position (GRCh38, 1-based): chr2:47,373,526, A>G. VCF-style: chr2-47373526-A-G. GRCh37 (hg19) VCF-style: chr2-47600665-A-G.
Other names: short protein forms Q47R.
Identifiers: ClinVar variation 4640300 (VCV004640300.1).